The following is an entry in ClinVar:

NM_000257.4(MYH7):c.1000-2A>C

Gene: MYH7 (myosin heavy chain 7; minus strand). Cytogenetic location: 14q11.2.
Variant type: single nucleotide variant.
Coding change: c.1000-2A>C on transcript NM_000257.4 (MANE Select); the canonical splice acceptor site of the intron before coding-DNA position 1000, A replaced by C.
Molecular consequence: splice acceptor variant.
Genome position (GRCh38, 1-based): chr14:23,429,915, T>G on the plus strand (A>C on the coding strand, the complement: MYH7 is on the minus strand). VCF-style: chr14-23429915-T-G. GRCh37 (hg19) VCF-style: chr14-23899124-T-G.
Other names: c.1000-2A>C (NM_001407004.1).
Identifiers: ClinVar variation 3387353 (VCV003387353.1).

ClinVar aggregate classification (germline): Uncertain significance (1 of 4 stars; one submission).

Conditions:
Cardiomyopathy (CMYO). Also called: Cardiomyopathies. Identifiers: Orphanet 167848, MedGen C0878544, MONDO:0004994, HP:0001638. Inheritance: Various modes of inheritance.

Submission:

All of Us Research Program, National Institutes of Health
Classification: Uncertain significance for Cardiomyopathy. Last evaluated: 2024-07-10. Review status: criteria provided, single submitter. Criteria: ACMG Guidelines, 2015. Collection method: clinical testing. Allele origin: germline. Inheritance: Autosomal dominant inheritance. Observed: 1 variant allele, 1 heterozygote.
Comment: This variant causes an A to C nucleotide substitution at the -2 position of intron 11 of the MYH7 gene. Splice site prediction tools predict that this variant may have a significant impact on RNA splicing. Although this prediction has not been confirmed in published RNA studies, this variant is expected to result in an absent or disrupted protein product. This variant has not been reported in individuals affected with MYH7-related disorders in the literature. This variant has not been identified in the general population by the Genome Aggregation Database (gnomAD). Clinical relevance of loss-of-function MYH7 truncation and splice variants in autosomal dominant cardiovascular disorders is not clearly established. The available evidence is insufficient to determine the role of this variant in disease conclusively. Therefore, this variant is classified as a Variant of Uncertain Significance.

This study involves interpretation of variants in research participants for the purpose of population health screening. Participant phenotype was not available at the time of variant classification. Additional details can be found in publication PMID: 35346344, PMCID: PMC8962531